The following is an entry in ClinVar:

ClinVar aggregate classification (germline): Uncertain significance (1 of 4 stars; one submission).

Submission:

Ambry Genetics
Classification: Uncertain significance. Last evaluated: 2025-07-28. Review status: criteria provided, single submitter. Criteria: Ambry Variant Classification Scheme 2023. Collection method: clinical testing. Allele origin: germline.
Comment: The p.E161A variant (also known as c.482A>C), located in coding exon 2 of the GALNT12 gene, results from an A to C substitution at nucleotide position 482. The glutamic acid at codon 161 is replaced by alanine, an amino acid with dissimilar properties. This amino acid position is conserved. In addition, this alteration is predicted to be deleterious by in silico analysis. Since supporting evidence is limited at this time, the clinical significance of this alteration remains unclear.

NM_024642.5(GALNT12):c.482A>C (p.Glu161Ala)

Gene: GALNT12 (polypeptide N-acetylgalactosaminyltransferase 12; plus strand). Cytogenetic location: 9q22.33.
Variant type: single nucleotide variant.
Coding change: c.482A>C on transcript NM_024642.5 (MANE Select); coding-DNA position 482, A replaced by C.
Protein change: p.Glu161Ala; replaces glutamic acid 161 with alanine.
Molecular consequence: missense variant.
Genome position (GRCh38, 1-based): chr9:98,823,366, A>C. VCF-style: chr9-98823366-A-C. GRCh37 (hg19) VCF-style: chr9-101585648-A-C.
Other names: short protein forms E161A.
Identifiers: ClinVar variation 1743402 (VCV001743402.3), dbSNP rs1835788796, ClinGen allele CA374216792.
Genomic context (GRCh38, chr9:98,823,366, plus strand): 5'-TCATAGCATTTTATAATGAAGCCTGGTCAACTCTCCTTCGGACAGTTTACAGTGTCCTTG[A>C]GACATCCCCGGATATCCTGCTAGAAGAAGTGATCCTTGTAGATGACTACAGTGATAGAGG-3'
Protein context (NP_078918.3, residues 151-171): TLLRTVYSVL[Glu161Ala]TSPDILLEEV